The following is an entry in ClinVar:

ClinVar aggregate classification (germline): Uncertain significance (1 of 4 stars; one submission).

Conditions:
Hereditary cancer-predisposing syndrome. Also called: Hereditary Cancer Syndrome; Hereditary neoplastic syndrome; Neoplastic Syndromes, Hereditary; Tumor predisposition. Identifiers: Orphanet 140162, MedGen C0027672, MeSH D009386, MONDO:0015356.

Allele frequency attached by ClinVar (database versions not stated): TOPMed below 0.00001.

Submission:

Ambry Genetics
Classification: Uncertain significance for Hereditary cancer-predisposing syndrome. Last evaluated: 2025-09-02. Review status: criteria provided, single submitter. Criteria: Ambry Variant Classification Scheme 2023. Collection method: clinical testing. Allele origin: germline.
Comment: The p.Y1429H variant (also known as c.4285T>C), located in coding exon 11 of the BRCA1 gene, results from a T to C substitution at nucleotide position 4285. The tyrosine at codon 1429 is replaced by histidine, an amino acid with similar properties. This amino acid position is poorly conserved in available vertebrate species. In addition, this alteration is predicted to be tolerated by in silico analysis. Since supporting evidence is limited at this time, the clinical significance of this alteration remains unclear.

NM_007294.4(BRCA1):c.4285T>C (p.Tyr1429His)

Gene: BRCA1 (BRCA1 DNA repair associated; minus strand). Cytogenetic location: 17q21.31.
Variant type: single nucleotide variant.
Coding change: c.4285T>C on transcript NM_007294.4 (MANE Select); coding-DNA position 4285, T replaced by C.
Protein change: p.Tyr1429His; replaces tyrosine 1429 with histidine.
Molecular consequence: missense variant. On other transcripts: non-coding transcript variant (1).
Genome position (GRCh38, 1-based): chr17:43,082,476, A>G on the plus strand (T>C on the coding strand, the complement: BRCA1 is on the minus strand). VCF-style: chr17-43082476-A-G. GRCh37 (hg19) VCF-style: chr17-41234493-A-G.
Other names: c.4072T>C, p.Tyr1358His (NM_001407571.1, NM_001407853.1, NM_001407894.1 and 12 more transcripts); c.4285T>C, p.Tyr1429His (NM_001407581.1, NM_001407582.1, NM_001407583.1 and 23 more transcripts); c.4282T>C, p.Tyr1428His (NM_001407587.1, NM_001407590.1, NM_001407591.1 and 21 more transcripts); c.4279T>C, p.Tyr1427His (NM_001407627.1, NM_001407628.1, NM_001407629.1 and 5 more transcripts); c.4273T>C, p.Tyr1425His (NM_001407646.1, NM_001407647.1); c.4162T>C, p.Tyr1388His (NM_001407648.1, NM_001407664.1, NM_001407665.1 and 13 more transcripts); c.4159T>C, p.Tyr1387His (NM_001407649.1, NM_001407670.1, NM_001407671.1 and 12 more transcripts); c.4207T>C, p.Tyr1403His (NM_001407653.1, NM_001407654.1, NM_001407655.1 and 2 more transcripts); and 51 more; short protein forms Y1260H, Y1358H, Y1361H, Y1386H, Y1429H, Y199H, Y215H, Y238H.
Identifiers: ClinVar variation 1739379 (VCV001739379.3), dbSNP rs2053052462, ClinGen allele CA10593150.
Genomic context (GRCh38, chr17:43,082,476, plus strand): 5'-TGCTTTGTTCTGGATTTCGCAGGTCCTCAAGGGCAGAAGAGTCACTTATGATGGAAGGGT[A>G]GCTGTTAGAAGGCTGGCTCCCATGCTGTTCTAACACAGCTTCTAGTTCAGCCATTTCCTG-3'
Protein context (NP_009225.1, residues 1419-1439): EQHGSQPSNS[Tyr1429His]PSIISDSSAL